The following is an entry in ClinVar:

NM_007327.4(GRIN1):c.570+13G>A

Gene: GRIN1 (glutamate ionotropic receptor NMDA type subunit 1; plus strand). Cytogenetic location: 9q34.3.
Variant type: single nucleotide variant.
Coding change: c.570+13G>A on transcript NM_007327.4 (MANE Select); 13 bases into the intron after coding-DNA position 570, G replaced by A.
Molecular consequence: intron variant.
Genome position (GRCh38, 1-based): chr9:137,145,915, G>A. VCF-style: chr9-137145915-G-A. GRCh37 (hg19) VCF-style: chr9-140040367-G-A.
Other names: c.570+13G>A (NM_001185090.2, NM_001185091.2, NM_021569.4 and 1 more transcripts).
Identifiers: ClinVar variation 515967 (VCV000515967.9), dbSNP rs200081727, ClinGen allele CA5360677.

ClinVar aggregate classification (germline): Benign/Likely benign. Review status: criteria provided, multiple submitters, no conflicts (2 of 4 stars). 2 submissions from 2 submitters: Benign (1); Likely benign (1). Last evaluated 2024-12-15.

Conditions:
Neurodevelopmental disorder with or without hyperkinetic movements and seizures, autosomal dominant. Also called: Intellectual disability, autosomal dominant 8. Identifiers: MedGen C3280282, MONDO:0013655, OMIM 614254.

Allele frequency attached by ClinVar (database versions not stated): gnomAD 0.00005 and 0.00007; gnomAD exomes 0.00006 and 0.00018; TOPMed 0.00009; 1000 Genomes Project 0.00020; ExAC 0.00031; 1000 Genomes Project 30x 0.00047.

Submissions (2):

Labcorp Genetics (formerly Invitae), Labcorp
Classification: Benign for Neurodevelopmental disorder with or without hyperkinetic movements and seizures, autosomal dominant. Last evaluated: 2024-12-15. Review status: criteria provided, single submitter. Criteria: Invitae Variant Classification Sherloc (09022015). Collection method: clinical testing. Allele origin: germline.

GeneDx
Classification: Likely benign. Last evaluated: 2018-03-08. Review status: criteria provided, single submitter. Criteria: GeneDx Variant Classification (06012015). Collection method: clinical testing. Allele origin: germline. Affected: yes.
Comment: This variant is considered likely benign or benign based on one or more of the following criteria: it is a conservative change, it occurs at a poorly conserved position in the protein, it is predicted to be benign by multiple in silico algorithms, and/or has population frequency not consistent with disease.